The following is an entry in ClinVar:

NM_001040142.2(SCN2A):c.4136T>C (p.Val1379Ala)

Gene: SCN2A (sodium voltage-gated channel alpha subunit 2; plus strand). Cytogenetic location: 2q24.3.
Variant type: single nucleotide variant.
Coding change: c.4136T>C on transcript NM_001040142.2 (MANE Select); coding-DNA position 4136, T replaced by C.
Protein change: p.Val1379Ala; replaces valine 1379 with alanine.
Molecular consequence: missense variant.
Genome position (GRCh38, 1-based): chr2:165,374,848, T>C. VCF-style: chr2-165374848-T-C. GRCh37 (hg19) VCF-style: chr2-166231358-T-C.
Other names: c.4136T>C, p.Val1379Ala (NM_021007.3, NM_001040143.2, NM_001371246.1 and 1 more transcripts); c.4136T>C (NM_021007.2); short protein forms V1379A.
Identifiers: ClinVar variation 3748746 (VCV003748746.4).

ClinVar aggregate classification (germline): Uncertain significance. Review status: criteria provided, multiple submitters, no conflicts (2 of 4 stars). 2 submissions from 2 submitters: Uncertain significance (2). Last evaluated 2026-04-16.

Conditions:
Developmental and epileptic encephalopathy, 11 (DEE11). Also called: Early infantile epileptic encephalopathy 11. Identifiers: Orphanet 1934, MedGen C3150987, MONDO:0013388, OMIM 613721.
Seizures, benign familial infantile, 3 (BFIS3). Also called: Familial neonatal seizures; CONVULSIONS, BENIGN FAMILIAL INFANTILE, 3. Identifiers: Orphanet 140927, Orphanet 306, MedGen C1843140, MONDO:0011904, OMIM 607745.

Submissions (2):

GeneDx
Classification: Uncertain significance. Last evaluated: 2026-04-16. Review status: criteria provided, single submitter. Criteria: GeneDx Variant Classification Process June 2021. Collection method: clinical testing. Allele origin: germline.
Comment: Not observed at significant frequency in large population cohorts (gnomAD); In silico analysis suggests that this missense variant does not alter protein structure/function; Has not been previously published as pathogenic or benign to our knowledge; This substitution is predicted to be within the extracellular loop between the S5 and S6 transmembrane segments of the third homologous domain

Labcorp Genetics (formerly Invitae), Labcorp
Classification: Uncertain significance for Seizures, benign familial infantile, 3; Developmental and epileptic encephalopathy, 11. Last evaluated: 2024-04-12. Review status: criteria provided, single submitter. Criteria: Invitae Variant Classification Sherloc (09022015). Collection method: clinical testing. Allele origin: germline.
Comment: This sequence change replaces valine, which is neutral and non-polar, with alanine, which is neutral and non-polar, at codon 1379 of the SCN2A protein (p.Val1379Ala). This variant is not present in population databases (gnomAD no frequency). This variant has not been reported in the literature in individuals affected with SCN2A-related conditions. Advanced modeling of protein sequence and biophysical properties (such as structural, functional, and spatial information, amino acid conservation, physicochemical variation, residue mobility, and thermodynamic stability) has been performed at Invitae for this missense variant, however the output from this modeling did not meet the statistical confidence thresholds required to predict the impact of this variant on SCN2A protein function. In summary, the available evidence is currently insufficient to determine the role of this variant in disease. Therefore, it has been classified as a Variant of Uncertain Significance.